The following is an entry in ClinVar:

NM_001142800.2(EYS):c.6794del (p.Pro2265fs)

Gene: EYS (EGF-like photoreceptor maintenance factor; minus strand). Cytogenetic location: 6q12.
Variant type: Deletion.
Coding change: c.6794del on transcript NM_001142800.2 (MANE Select); coding-DNA position 6794, one base deleted (C; older notation c.6794delC).
Protein change: p.Pro2265fs; shifts the reading frame from proline 2265.
Molecular consequence: frameshift variant.
Genome position (GRCh38, 1-based): chr6:63,999,115, G deleted on the plus strand (C on the coding strand, the reverse complement: EYS is on the minus strand); the first of 2 consecutive G bases (chr6:63,999,115-63,999,116); deleting either gives the same sequence. VCF-style (leftmost placement, unchanged base first): chr6-63999114-TG-T. GRCh37 (hg19) VCF-style: chr6-64709007-TG-T.
Other names: NC_000006.11:g.64709009del; NP_001136272.1:p.(Pro2265GlnfsTer46); c.6794del (NM_001142800.1); c.6794delC (NM_001142800.2); c.6794del, p.Pro2265fs (NM_001292009.2); short protein forms P2265fs.
Identifiers: ClinVar variation 281325 (VCV000281325.36), dbSNP rs758109813, ClinGen allele CA3876878.

ClinVar aggregate classification (germline): Pathogenic. Review status: criteria provided, multiple submitters, no conflicts (2 of 4 stars). 16 submissions from 16 submitters: Pathogenic (15). 1 of the submissions does not count toward it. Last evaluated 2026-07-20.

Conditions:
EYS-related disorder. Also called: EYS-related condition.
Retinitis pigmentosa (RP). Identifiers: Orphanet 791, MedGen C0035334, MeSH D012174, MONDO:0019200, OMIM 268000. Inheritance: Autosomal dominant, autosomal recessive and X linked inheritance.
Retinitis pigmentosa 25 (RP25). Identifiers: Orphanet 791, MedGen C1864446, MONDO:0011272, OMIM 602772.

Submissions (16):

PreventionGenetics, part of Exact Sciences
Classification: Pathogenic for EYS-related condition. Last evaluated: 2026-07-20. Review status: criteria provided, single submitter. Criteria: ACMG Guidelines, 2015. Collection method: clinical testing. Allele origin: germline.
Comment: The EYS c.6794delC variant is predicted to result in a frameshift and premature protein termination (p.Pro2265Glnfs*46). This variant has been reported in multiple individuals with retinitis pigmentosa (see for examples: Audo et al. 2010. PubMed ID: 20333770; Georgiou et al. 2020. PubMed ID: 32795431; Table S1, Lin et al. 2024. PubMed ID: 38219857). This variant is present in 0.29% of alleles in individuals of African descent in gnomAD, indicating it is relatively common in this population. Frameshift variants in EYS are an established mechanism of disease. Given the evidence, we interpret this variant as pathogenic.

Dasa
Classification: Pathogenic. Last evaluated: 2026-04-21. Review status: criteria provided, single submitter. Criteria: DASA Assertion Criteria. Collection method: clinical testing. Allele origin: germline.
Comment: NM_001142800.2(EYS):c.6794del (p.Pro2265Glnfs*46) introduces a premature termination codon predicted to result in loss of normal protein function. Loss-of-function is an established mechanism of disease for this gene. This variant has been reported in individuals with related phenotype (PMID: 29550188). The variant is present at low frequency in population datasets. Based on the available data, this variant is classified as pathogenic.

Labcorp Genetics (formerly Invitae), Labcorp
Classification: Pathogenic. Last evaluated: 2026-01-12. Review status: criteria provided, single submitter. Criteria: Invitae Variant Classification Sherloc (09022015). Collection method: clinical testing. Allele origin: germline.
Comment: This sequence change creates a premature translational stop signal (p.Pro2265Glnfs*46) in the EYS gene. It is expected to result in an absent or disrupted protein product. Loss-of-function variants in EYS are known to be pathogenic (PMID: 18836446, 20333770). This variant is present in population databases (rs758109813, gnomAD 0.3%). This premature translational stop signal has been observed in individual(s) with retinitis pigmentosa (PMID: 25412400, 29550188). ClinVar contains an entry for this variant (Variation ID: 281325). For these reasons, this variant has been classified as Pathogenic.

Natera, Inc.
Classification: Pathogenic for Retinitis pigmentosa type 25. Last evaluated: 2025-11-20. Review status: criteria provided, single submitter. Criteria: Natera Variant Classification Schema (03/2026). Collection method: clinical testing. Allele origin: germline.
Comment: The c.6794delC variant in EYS is a frameshift variant predicted to shift the reading frame beginning at codon 2265 and leads to a stop codon 46 codons downstream. This variant is expected to result in nonsense mediated decay, truncation, or a dysfunctional protein product. This variant is rare in the general population with a frequency below the threshold expected for the associated phenotype(s). This variant has been observed in one or more individuals affected with the associated recessive disease, as either homozygous or compound heterozygous with a second variant (PMID: 29550188). Given the available evidence, this variant is classified as Pathogenic.

Blueprint Genetics
Classification: Pathogenic for EYS-related disorders. Last evaluated: 2024-11-18. Review status: criteria provided, single submitter. Criteria: ACMG Guidelines, 2015. Collection method: clinical testing. Allele origin: germline. Affected: yes. Observed: 5 variant alleles.

Baylor Genetics
Classification: Pathogenic for Retinitis pigmentosa 25. Last evaluated: 2024-03-26. Review status: criteria provided, single submitter. Criteria: ACMG Guidelines, 2015. Collection method: clinical testing. Allele origin: unknown.

Fulgent Genetics
Classification: Pathogenic for Retinitis pigmentosa 25. Last evaluated: 2024-03-06. Review status: criteria provided, single submitter. Criteria: ACMG Guidelines, 2015. Collection method: clinical testing. Allele origin: germline.

Women's Health and Genetics/Laboratory Corporation of America, LabCorp
Classification: Pathogenic for Retinitis pigmentosa. Last evaluated: 2024-01-11. Review status: criteria provided, single submitter. Criteria: LabCorp Variant Classification Summary - May 2015. Collection method: clinical testing. Allele origin: germline.
Comment: Variant summary: EYS c.6794delC (p.Pro2265GlnfsX46) results in a premature termination codon, predicted to cause a truncation of the encoded protein or absence of the protein due to nonsense mediated decay, which are commonly known mechanisms for disease. The variant allele was found at a frequency of 0.00018 in 157910 control chromosomes. This frequency is not significantly higher than estimated for a pathogenic variant in EYS causing Retinitis Pigmentosa (0.00018 vs 0.0034), allowing no conclusion about variant significance. c.6794delC has been reported in the literature in individuals affected with Retinitis Pigmentosa (e.g. Consugar_2015). To our knowledge, no experimental evidence demonstrating an impact on protein function has been reported. ClinVar contains an entry for this variant (Variation ID: 281325). Based on the evidence outlined above, the variant was classified as pathogenic.

Ophthalmic Genetics Group, Institute of Molecular and Clinical Ophthalmology Basel
Classification: Pathogenic for Retinitis pigmentosa. Last evaluated: 2023-07-24. Review status: criteria provided, single submitter. Criteria: ACMG Guidelines, 2015. Collection method: research. Allele origin: germline. Affected: yes. Observed: 2 variant alleles.
Comment: Clinical significance based on ACMG v2.0

This variant was classified as Pathogenic based on ACMG criteria: PVS1, PM2, PP5.

Revvity Omics, Revvity
Classification: Pathogenic for Retinitis pigmentosa 25. Last evaluated: 2022-01-27. Review status: criteria provided, single submitter. Criteria: ACMG Guidelines, 2015. Collection method: clinical testing. Allele origin: germline.

3billion
Classification: Pathogenic for Retinitis pigmentosa 25. Last evaluated: 2022-01-03. Review status: criteria provided, single submitter. Criteria: ACMG Guidelines, 2015. Collection method: clinical testing. Allele origin: germline. Affected: yes. Observed: 1 heterozygote.
Comment: Frameshift: predicted to result in a loss or disruption of normal protein function through nonsense-mediated decay (NMD) or protein truncation. Multiple pathogenic variants are reported downstream of the variant (PVS1_VS). It is observed at an extremely low frequency in the gnomAD v2.1.1 dataset (total allele frequency: 0.000275, PM2_M). The variant has been reported at least twice as pathogenic/likely pathogenic with clinical assertions and evidence for the classification (ClinVar ID: VCV000281325, PMID:20333770). Therefore, this variant is classified as pathogenic according to the recommendation of ACMG/AMP guideline.

GeneDx
Classification: Pathogenic. Last evaluated: 2021-11-02. Review status: criteria provided, single submitter. Criteria: GeneDx Variant Classification Process June 2021. Collection method: clinical testing. Allele origin: germline. Affected: yes.
Comment: Frameshift variant predicted to result in protein truncation or nonsense mediated decay in a gene for which loss-of-function is a known mechanism of disease; This variant is associated with the following publications: (PMID: 20537394, 32795431, 20333770, 25412400, 29550188, 32141364, 31589614)

Ocular Genomics Institute, Massachusetts Eye and Ear
Classification: Pathogenic for Retinitis pigmentosa 25. Last evaluated: 2021-04-08. Review status: criteria provided, single submitter. Criteria: ACMG Guidelines, 2015. Collection method: research. Allele origin: germline. Affected: yes.
Comment: Through a review of available evidence we were able to apply the following criteria: PVS1, PM2, PS1. Based on this evidence we have classified this variant as Pathogenic.

Eurofins Ntd Llc (ga)
Classification: Pathogenic. Last evaluated: 2015-06-12. Review status: criteria provided, single submitter. Criteria: EGL Classification Definitions 2015. Collection method: clinical testing. Allele origin: germline. Observed: 2 variant alleles, 2 heterozygotes.

Clinical Genetics Service, Universitary Hospital 12 de Octubre
Classification: Pathogenic for Retinitis pigmentosa 25. Review status: criteria provided, single submitter. Criteria: ACMG Guidelines, 2015. Collection method: clinical testing. Allele origin: germline. Affected: yes.

Counsyl
Classification: Pathogenic for Retinitis pigmentosa 25. Last evaluated: 2017-11-03. Review status: no assertion criteria provided. Collection method: clinical testing. Allele origin: unknown. Not counted in ClinVar's aggregate classification.

Literature cited by the submitters: PubMed 29550188 (cited by 4 submitters); PubMed 18836446 (cited by Labcorp Genetics (formerly Invitae), Labcorp); PubMed 20333770 (cited by 4 submitters); PubMed 25412400 (cited by 4 submitters); PubMed 36909829 (cited by Ophthalmic Genetics Group, Institute of Molecular and Clinical Ophthalmology Basel); PubMed 20537394 (cited by Ocular Genomics Institute, Massachusetts Eye and Ear and Counsyl).